The following is an entry in ClinVar:

ClinVar aggregate classification (germline): Pathogenic. Review status: criteria provided, multiple submitters, no conflicts (2 of 4 stars). 18 submissions from 18 submitters: Pathogenic (17). 1 of the submissions does not count toward it. Last evaluated 2026-04-26.
ClinVar aggregate classification (somatic clinical impact): Tier I - Strong (1 of 4 stars; one submission).

Conditions:
Lymphangiomyomatosis (LAM). Also called: Lymphangioleiomyomatosis, somatic; Lymphangioleiomyomatosis. Identifiers: Orphanet 538, MedGen C0751674, MONDO:0011705, OMIM 606690.
Isolated focal cortical dysplasia type II (FCORD2). Also called: CORTICAL DYSPLASIA OF TAYLOR; Focal cortical dysplasia type II. Identifiers: Orphanet 268994, MedGen C1846385, MONDO:0011818, OMIM 607341, HP:0032051.
Tuberous sclerosis 2 (TSC2). Identifiers: Orphanet 805, MedGen C1860707, MONDO:0013199, OMIM 613254.
TSC2-related disorder. Also called: TSC2-related condition; TSC2-Related Disorders.
Hereditary cancer-predisposing syndrome. Also called: Tumor predisposition; Neoplastic Syndromes, Hereditary; Hereditary neoplastic syndrome; Hereditary Cancer Syndrome. Identifiers: Orphanet 140162, MedGen C0027672, MeSH D009386, MONDO:0015356.
Tuberous sclerosis syndrome (TSC). Also called: Tuberous Sclerosis Complex; Tuberous sclerosis. Identifiers: Orphanet 805, MedGen C0041341, MONDO:0001734.
Subependymal giant-cell astrocytoma (SEGA). Identifiers: Orphanet 251618, MedGen C0205768, MONDO:0016693, HP:0009718.

Submissions 1 to 6 of 19:

Clinical Genomics Laboratory, Washington University in St. Louis
Classification: Pathogenic for Tuberous sclerosis 2. Last evaluated: 2026-04-26. Review status: criteria provided, single submitter. Criteria: ACMG Guidelines, 2015. Collection method: clinical testing. Allele origin: germline. Affected: yes.
Comment: A TSC2 c.5227C>T (p.Arg1743Trp) variant was identified at a near heterozygous allelic fraction of 46.2%, a frequency which may be consistent with germline origin. This variant has been reported in the literature in several individuals with tuberous sclerosis (Yuan CD et al., PMID: 17536269; Reyna-Fabián ME et al., PMID: 32313033; Hung CC et al., PMID: 16981987; Papadopoulou A et al., PMID: 29500070; Yu T et al., PMID: 28178598) and was confirmed de novo in one individual (Bombardieri R et al., PMID: 19369101). This variant has also been reported in the ClinVar database as pathogenic by several submitters (Variation ID: 49471). It is absent from the general population (gnomAD v4.1.1), indicating it is not a common variant. Computational predictors indicate that the variant is damaging, evidence that correlates with impact to TSC2 function. In support of this prediction, fucntional studies indicate that this variant affects the TSC2 protein (Hoogeveen-Westerveld M et al., PMID: 21309039.; Coevoets R et al., PMID: 18854862). Other variants in the same codon p.Arg1743Gln; p. Arg1743Gly; p.Arg1743Leu; p. Arg1743Pro have been identified in individuals with with TSC and are considered likely pathogenic/pathogenic (Gilbert JR et al., PMID: 10732801, van Eeghen AM et al., PMID: 22867869; ClinVar Variation ID's: 49960, 49834, 65291, 49961). Based on available information and the ACMG/AMP guidelines for variant interpretation (Richards S et al., PMID: 25741868), this variant is classified as pathogenic.

3billion
Classification: Pathogenic for Tuberous sclerosis 2. Last evaluated: 2025-09-17. Review status: criteria provided, single submitter. Criteria: ACMG Guidelines, 2015. Collection method: clinical testing. Allele origin: germline. Affected: yes.
Comment: The variant is not observed in the gnomAD v4.1.0 dataset. Predicted Consequence/Location: Missense variant. The majority of the known disease-causing variants of this gene are variants expected to result in premature termination of the protein. Functional studies provide strong evidence of the variant having a damaging effect on the gene or gene product (PMID: 21309039). In silico tool predictions suggest damaging effect of the variant on gene or gene product [REVEL: 0.93 (>=0.6, sensitivity 0.68 and specificity 0.92); 3Cnet: 0.93 (> 0.75, sensitivity 0.96 and precision 0.92)]. The same nucleotide change resulting in the same amino acid change has been previously reported as pathogenic/likely pathogenic with strong evidence (ClinVar ID: VCV000049471 /PMID: 15798777 /3billion dataset). The variant has been observed in multiple (>3) similarly affected unrelated individuals (PMID: 19369101, 27859028). The variant has been previously reported as assumed (i.e. paternity and maternity not confirmed) de novo in at least one similarly affected unrelated individual (PMID: 19369101). Different missense changes at the same codon (p.Arg1743Gln, p.Arg1743Gly, p.Arg1743Leu, p.Arg1743Pro) have been reported as pathogenic/likely pathogenic with strong evidence (ClinVar ID: VCV000049834, VCV000049960, VCV000049961, VCV000065291 /PMID: 10205261, 10732801 /3billion dataset). Therefore, this variant is classified as Pathogenic according to the recommendation of ACMG/AMP guideline.

CeGaT Center for Human Genetics Tuebingen
Classification: Pathogenic. Last evaluated: 2025-06-01. Review status: criteria provided, single submitter. Criteria: CeGaT Center For Human Genetics Tuebingen Variant Classification Criteria Version 2. Collection method: clinical testing. Allele origin: germline. Affected: yes. Observed: 1 variant allele.
Comment: TSC2: PS2, PM2, PM5, PS4:Moderate, PS3:Supporting

Ambry Genetics
Classification: Pathogenic for Hereditary cancer-predisposing syndrome. Last evaluated: 2025-04-22. Review status: criteria provided, single submitter. Criteria: Ambry Variant Classification Scheme 2023. Collection method: clinical testing. Allele origin: germline.
Comment: The p.R1743W pathogenic mutation (also known as c.5227C>T), located in coding exon 40 of the TSC2 gene, results from a C to T substitution at nucleotide position 5227. The arginine at codon 1743 is replaced by tryptophan, an amino acid with dissimilar properties. This mutation has been described in two unrelated individuals with TSC who had infantile spasms and epilepsy (van Eeghen AM et al. Epilepsy Res. 2013;103(1):83-7). Another disease-causing mutation, p.R1743Q, has been described in the same codon. Another variant at the same codon, p.R1743Q (c.5228G>A), has been identified in individual(s) with features consis tent with TSC (Gilbert JR et al. Neurogenetics. 1998 Aug;1:267-72; Au KS et al. Genet. Med. 2007 Feb;9:88-100; van Eeghen AM et al. Epilepsy Res. 2013 Jan;103:83-7). Analyses via in-cell western assay and transfection-based immunoblot assay showed reduced expression of the mutant p.R1743W and p.R1743Q TSC2 proteins compared to wild-type (Coevoets R et al. Eur. J. Hum. Genet. 2009;17(3):301-10, Hoogeveen-Westerveld M et al. Hum. Mutat. 2011;32(4):424-35). Based on the supporting evidence, p.R1743W is interpreted as a disease-causing mutation.

Institute for Genomic Medicine (IGM) Clinical Laboratory, Nationwide Children's Hospital
Classification: Pathogenic for Tuberous sclerosis 2. Last evaluated: 2025-03-10. Review status: criteria provided, single submitter. Criteria: ACMG Guidelines, 2015. Collection method: clinical testing. Allele origin: germline.
Comment: This variant has been reported to occur de novo in an affected individual in the literature with parental identity confirmed (ACMG/AMP: PS2; PMIDs:16114042, 29476190). Well-established functional studies have demonstrated this variant to have a damaging effect on protein function or splicing (ACMG/AMP: PS3; PMIDs:18854862, 21309039, 23955302). This variant has been reported at an elevated frequency in affected individuals/in multiple affected individuals in the literature (ACMG/AMP: PS4; PMIDs:12111193, 16114042, 16981987, 22867869, 27174333, 29476190, 29500070, 29801666). This variant is absent from or present at an exceedingly low frequency in gnomAD, a large-scale control population database (ACMG/AMP: PM2). A different substitution at this amino acid position has been reported as pathogenic (ACMG/AMP: PM5). This variant is predicted to alter protein function or structure, or disrupt splicing by multiple in silico tools (ACMG/AMP: PP3).

Labcorp Genetics (formerly Invitae), Labcorp
Classification: Pathogenic for Tuberous sclerosis 2. Last evaluated: 2025-01-19. Review status: criteria provided, single submitter. Criteria: Invitae Variant Classification Sherloc (09022015). Collection method: clinical testing. Allele origin: germline.
Comment: This sequence change replaces arginine, which is basic and polar, with tryptophan, which is neutral and slightly polar, at codon 1743 of the TSC2 protein (p.Arg1743Trp). This variant is not present in population databases (gnomAD no frequency). This missense change has been observed in individual(s) with tuberous sclerosis, epilepsy and/or infantile spasms (PMID: 12111193, 16114042, 16981987, 22867869, 27174333, 29476190, 29500070, 29801666). In at least one individual the variant was observed to be de novo. This variant is also known as R1720W. ClinVar contains an entry for this variant (Variation ID: 49471). Invitae Evidence Modeling of protein sequence and biophysical properties (such as structural, functional, and spatial information, amino acid conservation, physicochemical variation, residue mobility, and thermodynamic stability) has been performed for this missense variant. However, the output from this modeling did not meet the statistical confidence thresholds required to predict the impact of this variant on TSC2 protein function. Experimental studies have shown that this missense change affects TSC2 function (PMID: 18854862, 21309039, 23955302). This variant disrupts the p.Arg1743 amino acid residue in TSC2. Other variant(s) that disrupt this residue have been determined to be pathogenic (PMID: 10732801, 16114042, 18854862, 20165957). This suggests that this residue is clinically significant, and that variants that disrupt this residue are likely to be disease-causing. For these reasons, this variant has been classified as Pathogenic.

NM_000548.5(TSC2):c.5227C>T (p.Arg1743Trp)

Gene: TSC2 (TSC complex subunit 2; plus strand). Cytogenetic location: 16p13.3.
Variant type: single nucleotide variant.
Coding change: c.5227C>T on transcript NM_000548.5 (MANE Select); coding-DNA position 5227, C replaced by T.
Protein change: p.Arg1743Trp; replaces arginine 1743 with tryptophan.
Molecular consequence: missense variant.
Genome position (GRCh38, 1-based): chr16:2,088,293, C>T. VCF-style: chr16-2088293-C-T. GRCh37 (hg19) VCF-style: chr16-2138294-C-T.
Other names: p.R1743W:CGG>TGG; c.5026C>T, p.Arg1676Trp (NM_001077183.3); c.5158C>T, p.Arg1720Trp (NM_001114382.3); c.4918C>T, p.Arg1640Trp (NM_001318827.2); c.4882C>T, p.Arg1628Trp (NM_001318829.2); c.4495C>T, p.Arg1499Trp (NM_001318831.2); c.5059C>T, p.Arg1687Trp (NM_001318832.2); c.5029C>T, p.Arg1677Trp (NM_001363528.2); and 3 more; short protein forms R1743W, R1499W, R1696W, R1640W, R1677W, R1720W, R1628W, R1676W.
Identifiers: ClinVar variation 49471 (VCV000049471.36), dbSNP rs45517412, ClinGen allele CA022213.
Genomic context (GRCh38, chr16:2,088,293, plus strand): 5'-TCACAGGTGCATCATAGCCGCTCCAACCCCACCGATATCTACCCCTCCAAGTGGATTGCC[C>T]GGCTCCGCCACATCAAGCGGCTCCGCCAGCGGGTAGGGAATATGGGGCTCCCTCAGCGGG-3'
Protein context (NP_000539.2, residues 1733-1753): TDIYPSKWIA[Arg1743Trp]LRHIKRLRQR